The following is an entry in ClinVar:

ClinVar aggregate classification (germline): Benign. Review status: criteria provided, multiple submitters, no conflicts (2 of 4 stars). 3 submissions from 3 submitters: Benign (3). Last evaluated 2026-01-28.

Conditions:
Autosomal recessive congenital ichthyosis 2 (ARCI2). Identifiers: Orphanet 281122, Orphanet 79394, MedGen C3888093, MONDO:0009439, OMIM 242100.

Allele frequency attached by ClinVar (database versions not stated): ExAC 0.00257; gnomAD 0.00854 and 0.00924; 1000 Genomes Project 0.00919; ESP Exome Variant Server 0.00953; TOPMed 0.00978; 1000 Genomes Project 30x 0.01031; gnomAD exomes 0.00078 and 0.00211.
gnomAD v4.1: 2,474 of 1,614,124 alleles (0.15%); highest among the groups gnomAD compares: African/African-American, 2.9%; 33 homozygotes.

Submissions (3):

Labcorp Genetics (formerly Invitae), Labcorp
Classification: Benign. Last evaluated: 2026-01-28. Review status: criteria provided, single submitter. Criteria: Invitae Variant Classification Sherloc (09022015). Collection method: clinical testing. Allele origin: germline.

Illumina Laboratory Services, Illumina
Classification: Benign for Autosomal recessive congenital ichthyosis 2. Last evaluated: 2018-01-13. Review status: criteria provided, single submitter. Criteria: ICSL Variant Classification Criteria 13 December 2019. Collection method: clinical testing. Allele origin: germline.
Comment: This variant was observed in the ICSL laboratory as part of a predisposition screen in an ostensibly healthy population. It had not been previously curated by ICSL or reported in the Human Gene Mutation Database (HGMD: prior to June 1st, 2018), and was therefore a candidate for classification through an automated scoring system. Utilizing variant allele frequency, disease prevalence and penetrance estimates, and inheritance mode, an automated score was calculated to assess if this variant is too frequent to cause the disease. Based on the score and internal cut-off values, a variant classified as benign is not then subjected to further curation. The score for this variant resulted in a classification of benign for this disease.

Breakthrough Genomics
Classification: Benign. Review status: criteria provided, single submitter. Criteria: ACMG Guidelines, 2015. Collection method: not provided. Allele origin: germline. Inheritance: Autosomal recessive inheritance. Affected: yes.

NM_001139.3(ALOX12B):c.280G>A (p.Gly94Ser)

Gene: ALOX12B (arachidonate 12-lipoxygenase, 12R type; minus strand). Cytogenetic location: 17p13.1.
Variant type: single nucleotide variant.
Coding change: c.280G>A on transcript NM_001139.3 (MANE Select); coding-DNA position 280, G replaced by A.
Protein change: p.Gly94Ser; replaces glycine 94 with serine.
Molecular consequence: missense variant.
Genome position (GRCh38, 1-based): chr17:8,086,088, C>T on the plus strand (G>A on the coding strand, the complement: ALOX12B is on the minus strand). VCF-style: chr17-8086088-C-T. GRCh37 (hg19) VCF-style: chr17-7989406-C-T.
Other names: c.280G>A, p.Gly94Ser (LRG_1264t1); short protein forms G94S.
Identifiers: ClinVar variation 325918 (VCV000325918.15), dbSNP rs8077661, ClinGen allele CA8367721.
Genomic context (GRCh38, chr17:8,086,088, plus strand): 5'-GGAGTGCCAGGGTCTCGTAGCCATCCATCCACTGGTAGGCGGGGAAGTGGTAGATACGGC[C>T]GTTGGGGGCACAGATCTGCACATAGTTGCAGTACCAAGGGTCCTTGGGGAAGAAGGCGTA-3'
Protein context (NP_001130.1, residues 84-104): CNYVQICAPN[Gly94Ser]RIYHFPAYQW